The following is an entry in ClinVar:

ClinVar aggregate classification (germline): Conflicting classifications of pathogenicity. Review status: criteria provided, conflicting classifications (1 of 4 stars). 6 submissions from 5 submitters: Uncertain significance (1); Benign (2); Likely benign (2). 1 of the submissions does not count toward it. Last evaluated 2026-01-25.

Conditions:
Rothmund-Thomson syndrome type 2 (RTS2). Identifiers: Orphanet 221016, MedGen C5203410, MONDO:0016369, OMIM 268400.
Rapadilino syndrome. Identifiers: Orphanet 3021, MedGen C1849453, MONDO:0009955, OMIM 266280.
Baller-Gerold syndrome (BGS). Also called: CRANIOSYNOSTOSIS WITH RADIAL DEFECTS. Identifiers: Orphanet 1225, MedGen C0265308, MONDO:0009039, OMIM 218600.

Submissions (6):

Labcorp Genetics (formerly Invitae), Labcorp
Classification: Benign for Baller-Gerold syndrome. Last evaluated: 2026-01-25. Review status: criteria provided, single submitter. Criteria: Invitae Variant Classification Sherloc (09022015). Collection method: clinical testing. Allele origin: germline.

KCCC/NGS Laboratory, Kuwait Cancer Control Center
Classification: Benign for Rapadilino syndrome. Last evaluated: 2025-02-01. Review status: criteria provided, single submitter. Criteria: ACMG Guidelines, 2015. Collection method: clinical testing. Allele origin: germline. Affected: no.

Revvity Omics, Revvity
Classification: Uncertain significance. Last evaluated: 2024-06-06. Review status: criteria provided, single submitter. Criteria: ACMG Guidelines, 2015. Collection method: clinical testing. Allele origin: germline.

KCCC/NGS Laboratory, Kuwait Cancer Control Center
Classification: Likely benign for Rothmund-Thomson syndrome type 2. Last evaluated: 2023-07-07. Review status: criteria provided, single submitter. Criteria: ACMG Guidelines, 2015. Collection method: clinical testing. Allele origin: germline. Affected: yes.

GeneDx
Classification: Likely benign. Last evaluated: 2020-12-07. Review status: criteria provided, single submitter. Criteria: GeneDx Variant Classification Process June 2021. Collection method: clinical testing. Allele origin: germline. Affected: yes.
Comment: In silico analysis, which includes protein predictors and evolutionary conservation, supports a deleterious effect; This variant is associated with the following publications: (PMID: 30306255, 28873162, 24728327)

ITMI
No classification provided. Condition: AllHighlyPenetrant. Last evaluated: 2013-09-19. Review status: no classification provided. Collection method: reference population. Allele origin: germline. Not counted in ClinVar's aggregate classification.
Comment: Please see associated publication for description of ethnicities

Literature cited by the submitters: PubMed 24728327 (cited by ITMI).

NM_004260.4(RECQL4):c.1237_1238delinsAG (p.Ala413Arg)

Gene: RECQL4 (RecQ like helicase 4; minus strand). Cytogenetic location: 8q24.3.
Variant type: Indel.
Coding change: c.1237_1238delinsAG on transcript NM_004260.4 (MANE Select); coding-DNA positions 1237 to 1238, GC replaced by AG.
Protein change: p.Ala413Arg; replaces alanine 413 with arginine.
Molecular consequence: missense variant.
Genome position (GRCh38, 1-based): chr8:144,515,784-144,515,785, GC replaced by CT on the plus strand (GC replaced by AG on the coding strand, the reverse complement: RECQL4 is on the minus strand). VCF-style: chr8-144515784-GC-CT. GRCh37 (hg19) VCF-style: chr8-145741168-GC-CT.
Other names: c.1237_1238delGCinsAG (NM_004260.3); short protein forms A413R.
Identifiers: ClinVar variation 135169 (VCV000135169.16), dbSNP rs587778652, ClinGen allele CA161894.